The following is an entry in ClinVar:

ClinVar aggregate classification (germline): Uncertain significance (1 of 4 stars; one submission).

Allele frequency attached by ClinVar (database versions not stated): gnomAD exomes below 0.00001.
gnomAD v4.1: 1 of 1,550,580 alleles (0.000064%); highest among the groups gnomAD compares: East Asian, 0.0024%; no homozygotes.

Submission:

Labcorp Genetics (formerly Invitae), Labcorp
Classification: Uncertain significance. Last evaluated: 2024-10-28. Review status: criteria provided, single submitter. Criteria: Invitae Variant Classification Sherloc (09022015). Collection method: clinical testing. Allele origin: germline.
Comment: This sequence change replaces valine, which is neutral and non-polar, with alanine, which is neutral and non-polar, at codon 713 of the EYS protein (p.Val713Ala). This variant is not present in population databases (gnomAD no frequency). This variant has not been reported in the literature in individuals affected with EYS-related conditions. ClinVar contains an entry for this variant (Variation ID: 1415920). An algorithm developed to predict the effect of missense changes on protein structure and function outputs the following: PolyPhen-2: "Benign". The alanine amino acid residue is found in multiple mammalian species, which suggests that this missense change does not adversely affect protein function. In summary, the available evidence is currently insufficient to determine the role of this variant in disease. Therefore, it has been classified as a Variant of Uncertain Significance.

NM_001142800.2(EYS):c.2138T>C (p.Val713Ala)

Gene: EYS (EGF-like photoreceptor maintenance factor; minus strand). Cytogenetic location: 6q12.
Variant type: single nucleotide variant.
Coding change: c.2138T>C on transcript NM_001142800.2 (MANE Select); coding-DNA position 2138, T replaced by C.
Protein change: p.Val713Ala; replaces valine 713 with alanine.
Molecular consequence: missense variant.
Genome position (GRCh38, 1-based): chr6:64,997,703, A>G on the plus strand (T>C on the coding strand, the complement: EYS is on the minus strand). VCF-style: chr6-64997703-A-G. GRCh37 (hg19) VCF-style: chr6-65707596-A-G.
Other names: c.2138T>C, p.Val713Ala (NM_001292009.2); short protein forms V713A.
Identifiers: ClinVar variation 1415920 (VCV001415920.8), dbSNP rs1771314677, ClinGen allele CA364788581.